The following is an entry in ClinVar:

NM_001393662.1(VCX):c.216G>A (p.Ala72=)

Gene: VCX (variable charge X-linked; plus strand). Cytogenetic location: Xp22.31.
Variant type: single nucleotide variant.
Coding change: c.216G>A on transcript NM_001393662.1 (MANE Select); coding-DNA position 216, G replaced by A.
Protein change: p.Ala72=; no amino-acid change (alanine 72 retained).
Molecular consequence: synonymous variant.
Genome position (GRCh38, 1-based): chrX:7,843,611, G>A. VCF-style: chrX-7843611-G-A. GRCh37 (hg19) VCF-style: chrX-7811652-G-A.
Other names: c.216G>A, p.Ala72= (NM_013452.3).
Identifiers: ClinVar variation 2659918 (VCV002659918.24), dbSNP rs769730366, ClinGen allele CA10342369.

ClinVar aggregate classification (germline): Likely benign (1 of 4 stars; one submission).

Allele frequency attached by ClinVar (database versions not stated): ExAC 0.00067.

Submission:

CeGaT Center for Human Genetics Tuebingen
Classification: Likely benign. Last evaluated: 2023-01-01. Review status: criteria provided, single submitter. Criteria: CeGaT Center For Human Genetics Tuebingen Variant Classification Criteria Version 2. Collection method: clinical testing. Allele origin: germline. Affected: yes. Observed: 1 variant allele.
Comment: VCX: BP4, BP7, BS2